The following is an entry in ClinVar:

ClinVar aggregate classification (germline): Uncertain significance (1 of 4 stars; one submission).

Allele frequency attached by ClinVar (database versions not stated): gnomAD exomes below 0.00001; ExAC 0.00001; gnomAD 0.00001; TOPMed 0.00002.
gnomAD v4.1: 2 of 1,613,604 alleles (0.00012%); highest among the groups gnomAD compares: African/African-American, 0.0027%; no homozygotes.

Submission:

Labcorp Genetics (formerly Invitae), Labcorp
Classification: Uncertain significance. Last evaluated: 2021-03-17. Review status: criteria provided, single submitter. Criteria: Invitae Variant Classification Sherloc (09022015). Collection method: clinical testing. Allele origin: germline.
Comment: This sequence change replaces leucine with valine at codon 3115 of the SPEG protein (p.Leu3115Val). The leucine residue is highly conserved and there is a small physicochemical difference between leucine and valine. This variant is present in population databases (rs759160719, ExAC 0.01%). This variant has not been reported in the literature in individuals with SPEG-related conditions. Algorithms developed to predict the effect of missense changes on protein structure and function are either unavailable or do not agree on the potential impact of this missense change (SIFT: "Deleterious"; PolyPhen-2: "Benign"; Align-GVGD: "Class C0"). In summary, the available evidence is currently insufficient to determine the role of this variant in disease. Therefore, it has been classified as a Variant of Uncertain Significance.

NM_005876.5(SPEG):c.9343C>G (p.Leu3115Val)

Genes: ASIC4-AS1 (ASIC4 antisense RNA 1; minus strand), SPEG (striated muscle enriched protein kinase; plus strand). Cytogenetic location: 2q35.
Variant type: single nucleotide variant.
Coding change: c.9343C>G on transcript NM_005876.5 (MANE Select); coding-DNA position 9343, C replaced by G.
Protein change: p.Leu3115Val; replaces leucine 3115 with valine.
Molecular consequence: missense variant.
Genome position (GRCh38, 1-based): chr2:219,490,914, C>G. VCF-style: chr2-219490914-C-G. GRCh37 (hg19) VCF-style: chr2-220355636-C-G.
Other names: short protein forms L3115V.
Identifiers: ClinVar variation 1517208 (VCV001517208.8), dbSNP rs759160719, ClinGen allele CA2127724.
Genomic context (GRCh38, chr2:219,490,914, plus strand): 5'-CCTGACAATGCCCTCAAGATTGTGGACTTTGGCAGTGCCCAGCCCTACAACCCCCAGGCC[C>G]TTAGGCCCCTTGGCCACCGCACGGGCACGCTGGAGTTCATGGGTGAGGGGACCAGCTGCC-3'
Protein context (NP_005867.3, residues 3105-3125): GSAQPYNPQA[Leu3115Val]RPLGHRTGTL